The following is an entry in ClinVar:

NM_000497.4(CYP11B1):c.800G>A (p.Gly267Asp)

Genes: CYP11B1 (cytochrome P450 family 11 subfamily B member 1; minus strand), LOC106799833 (CYP11B1 recombination region; plus strand). Cytogenetic location: 8q24.3.
Variant type: single nucleotide variant.
Coding change: c.800G>A on transcript NM_000497.4 (MANE Select); coding-DNA position 800, G replaced by A.
Protein change: p.Gly267Asp; replaces glycine 267 with aspartic acid.
Molecular consequence: missense variant.
Genome position (GRCh38, 1-based): chr8:142,876,395, C>T on the plus strand (G>A on the coding strand, the complement: CYP11B1 is on the minus strand). VCF-style: chr8-142876395-C-T. GRCh37 (hg19) VCF-style: chr8-143957811-C-T.
Other names: c.800G>A, p.Gly267Asp (NM_001026213.1); short protein forms G267D.
Identifiers: ClinVar variation 2674658 (VCV002674658.1), dbSNP rs2488677617, ClinGen allele CA372395356.

ClinVar aggregate classification (germline): Likely pathogenic (1 of 4 stars; one submission).

Conditions:
Deficiency of steroid 11-beta-monooxygenase (CYP11B1). Also called: ADRENAL HYPERPLASIA, CONGENITAL, DUE TO STEROID 11-BETA-HYDROXYLASE DEFICIENCY; P450C11B1 DEFICIENCY; STEROID 11-BETA-HYDROXYLASE DEFICIENCY; ADRENAL HYPERPLASIA IV; Congenital adrenal hyperplasia due to 11-beta-hydroxylase deficiency; 11-BETA-HYDROXYLASE DEFICIENCY. Identifiers: Orphanet 90795, MedGen C0268292, MONDO:0008729, OMIM 202010. Disease mechanism: loss of function.

gnomAD v4.1: 3 of 1,613,422 alleles (0.00019%); highest among the groups gnomAD compares: Non-Finnish European, 0.00025%; no homozygotes.

Submission:

Clinical Biochemistry Laboratory, Health Services Laboratory
Classification: Likely pathogenic for Deficiency of steroid 11-beta-monooxygenase. Last evaluated: 2023-11-20. Review status: criteria provided, single submitter. Criteria: ACMG Guidelines, 2015. Collection method: clinical testing. Allele origin: germline. Affected: yes.
Comment: ACMG:PM1 PM2 PM3 PP4

Literature cited by the submitters: PubMed 8964882.